The following is an entry in ClinVar:

ClinVar aggregate classification (germline): Uncertain significance. Review status: criteria provided, multiple submitters, no conflicts (2 of 4 stars). 2 submissions from 2 submitters: Uncertain significance (2). Last evaluated 2023-02-15.

Conditions:
Inborn genetic diseases. Identifiers: MedGen C0950123, MeSH D030342.

Allele frequency attached by ClinVar (database versions not stated): gnomAD 0.00001; gnomAD exomes 0.00002; 1000 Genomes Project 30x 0.00016; 1000 Genomes Project 0.00020.

Submissions (2):

Ambry Genetics
Classification: Uncertain significance for Inborn genetic diseases. Last evaluated: 2023-02-15. Review status: criteria provided, single submitter. Criteria: Ambry Variant Classification Scheme 2023. Collection method: clinical testing. Allele origin: germline.

Labcorp Genetics (formerly Invitae), Labcorp
Classification: Uncertain significance. Last evaluated: 2022-07-18. Review status: criteria provided, single submitter. Criteria: Invitae Variant Classification Sherloc (09022015). Collection method: clinical testing. Allele origin: germline.
Comment: This sequence change replaces histidine, which is basic and polar, with arginine, which is basic and polar, at codon 297 of the FAM161A protein (p.His297Arg). This variant is present in population databases (rs201295414, gnomAD 0.0009%). This variant has not been reported in the literature in individuals affected with FAM161A-related conditions. Algorithms developed to predict the effect of missense changes on protein structure and function output the following: SIFT: "Tolerated"; PolyPhen-2: "Benign"; Align-GVGD: "Class C0". The arginine amino acid residue is found in multiple mammalian species, which suggests that this missense change does not adversely affect protein function. In summary, the available evidence is currently insufficient to determine the role of this variant in disease. Therefore, it has been classified as a Variant of Uncertain Significance.

NM_001201543.2(FAM161A):c.890A>G (p.His297Arg)

Gene: FAM161A (FAM161 centrosomal protein A; minus strand). Cytogenetic location: 2p15.
Variant type: single nucleotide variant.
Coding change: c.890A>G on transcript NM_001201543.2 (MANE Select); coding-DNA position 890, A replaced by G.
Protein change: p.His297Arg; replaces histidine 297 with arginine.
Molecular consequence: missense variant. On other transcripts: non-coding transcript variant (1).
Genome position (GRCh38, 1-based): chr2:61,840,114, T>C on the plus strand (A>G on the coding strand, the complement: FAM161A is on the minus strand). VCF-style: chr2-61840114-T-C. GRCh37 (hg19) VCF-style: chr2-62067249-T-C.
Other names: c.890A>G, p.His297Arg (NM_032180.3); c.890A>G (NM_001201543.1); short protein forms H297R.
Identifiers: ClinVar variation 2162271 (VCV002162271.3), dbSNP rs201295414, ClinGen allele CA48477597.
Genomic context (GRCh38, chr2:61,840,114, plus strand): 5'-GCTTCTTTGCTTTTCTCCTTCAGAGACCTTCTCCGTTCTTCTTTTTGCTTGACTAAATCA[T>C]GGTAAAGGGGGAGAAAGACAGATGCAGGAACTGGATTGGCTCGGAATTTCTTCTTATACT-3'
Protein context (NP_001188472.1, residues 287-307): VPASVFLPLY[His297Arg]DLVKQKEERR